The following is an entry in ClinVar:

NM_030665.4(RAI1):c.4436A>G (p.Asp1479Gly)

Gene: RAI1 (retinoic acid induced 1; plus strand). Cytogenetic location: 17p11.2.
Variant type: single nucleotide variant.
Coding change: c.4436A>G on transcript NM_030665.4 (MANE Select); coding-DNA position 4436, A replaced by G.
Protein change: p.Asp1479Gly; replaces aspartic acid 1479 with glycine.
Molecular consequence: missense variant.
Genome position (GRCh38, 1-based): chr17:17,797,384, A>G. VCF-style: chr17-17797384-A-G. GRCh37 (hg19) VCF-style: chr17-17700698-A-G.
Other names: short protein forms D1479G.
Identifiers: ClinVar variation 2633377 (VCV002633377.1), dbSNP rs2543619666, ClinGen allele CA398556590.

ClinVar aggregate classification (germline): Uncertain significance (1 of 4 stars; one submission).

Conditions:
RAI1-related disorder. Also called: RAI1-related condition.

Submission:

PreventionGenetics, part of Exact Sciences
Classification: Uncertain significance for RAI1-related condition. Last evaluated: 2023-03-23. Review status: criteria provided, single submitter. Criteria: ACMG Guidelines, 2015. Collection method: clinical testing. Allele origin: germline.
Comment: The RAI1 c.4436A>G variant is predicted to result in the amino acid substitution p.Asp1479Gly. To our knowledge, this variant has not been reported in the literature or in a large population database, indicating this variant is rare. At this time, the clinical significance of this variant is uncertain due to the absence of conclusive functional and genetic evidence.